The following is an entry in ClinVar:

ClinVar aggregate classification (germline): Conflicting classifications of pathogenicity. Review status: criteria provided, conflicting classifications (1 of 4 stars). 14 submissions from 14 submitters: Pathogenic (2); Likely pathogenic (10); Uncertain significance (2). Last evaluated 2026-09-21.

Conditions:
Acid sphingomyelinase deficiency. Identifiers: Orphanet 618899, MedGen C5243927, MONDO:0100464.
Niemann-Pick disease, type B. Also called: Chronic Visceral ASMD (Niemann-Pick Disease Type B; NPD-B). Identifiers: Orphanet 77293, MedGen C0268243, MONDO:0011871, OMIM 607616. Disease mechanism: loss of function.
Niemann-Pick disease, type A. Also called: SPHINGOMYELIN LIPIDOSIS; SPHINGOMYELINASE DEFICIENCY; Infantile Neurovisceral ASMD (Niemann-Pick Disease Type A; NPD-A). Identifiers: Orphanet 77292, MedGen C0268242, MONDO:0009756, OMIM 257200. Disease mechanism: loss of function.
Sphingomyelin/cholesterol lipidosis. Also called: Niemann-Pick disease. Identifiers: MedGen C0028064, MONDO:0001982.
SMPD1-related disorder. Also called: SMPD1-related condition.

Allele frequency attached by ClinVar (database versions not stated): gnomAD exomes 0.00004 and 0.00002; TOPMed 0.00003; gnomAD 0.00001; ExAC 0.00002.
gnomAD v4.1: 37 of 1,614,046 alleles (0.0023%); highest among the groups gnomAD compares: Middle Eastern, 0.016%; no homozygotes.

Submissions 1 to 10 of 14:

PreventionGenetics, part of Exact Sciences
Classification: Likely pathogenic for SMPD1-related condition. Last evaluated: 2026-09-21. Review status: criteria provided, single submitter. Criteria: ACMG Guidelines, 2015. Collection method: clinical testing. Allele origin: germline.
Comment: The SMPD1 c.1427G>A variant is predicted to result in the amino acid substitution p.Arg476Gln. This variant, along with a second SMPD1 variant, was reported in an individual with Niemann-Pick disease (Zampieri et al. 2016. PubMed ID: 26499107). This variant has also been reported in an individual with Parkinson's disease (Table S3, Robak et al. 2017. PubMed ID: 29140481). Additionally, different missense variants affecting this amino acid (p.Arg476Gln, p.Arg476Gly and Arg476Trp) have been reported as causative for Niemann-Pick disease (Irun et al. 2013. PubMed ID: 23252888; Hu et al. 2021. PubMed ID: 33675270; reported as R474W in Simonaro et al. 2002. PubMed ID: 12369017). This variant is reported in 0.016% of alleles in individuals of South Asian descent in gnomAD and in ClinVar this variant has conflicting interpretations of uncertain, likely pathogenic, and pathogenic. Taken together, this variant is interpreted as likely pathogenic.

Women's Health and Genetics/Laboratory Corporation of America, LabCorp
Classification: Uncertain significance. Last evaluated: 2026-05-15. Review status: criteria provided, single submitter. Criteria: LabCorp Variant Classification Summary - May 2015. Collection method: clinical testing. Allele origin: germline.
Comment: Variant summary: SMPD1 c.1427G>A (p.Arg476Gln) results in a conservative amino acid change located in the Acid sphingomyelinase/endopolyphosphatase, metallophosphatase domain (IPR041805) of the encoded protein sequence. Algorithms developed to predict the effect of missense changes on protein structure and function are either unavailable or do not agree on the potential impact of this missense change. The variant allele was found at a frequency of 3.6e-05 in 251486 control chromosomes. The available data on variant occurrences in the general population are insufficient to allow any conclusion about variant significance. c.1427G>A has been observed in an individual affected with Niemann-Pick Disease (Zampieri_2015). These data do not allow any conclusion about variant significance. A different variant affecting the same codon has been classified as likely pathogenic/pathogenic by our lab (c.1426C>T, p.Arg476Trp), supporting the critical relevance of codon 476 to SMPD1 protein function. The variant is predicted to impact protein folding/stability when modelled using the crystal structure of the SMPD1 protein without experimental validation (Gorelik_2016). The following publications have been ascertained in the context of this evaluation (PMID: 27435900, 26499107). ClinVar contains an entry for this variant (Variation ID: 385606). Based on the evidence outlined above, the variant was classified as VUS-possibly pathogenic.

Labcorp Genetics (formerly Invitae), Labcorp
Classification: Likely pathogenic for Niemann-Pick disease, type B; Niemann-Pick disease, type A. Last evaluated: 2025-10-06. Review status: criteria provided, single submitter. Criteria: Invitae Variant Classification Sherloc (09022015). Collection method: clinical testing. Allele origin: germline.
Comment: This sequence change replaces arginine with glutamine at codon 476 of the SMPD1 protein (p.Arg476Gln). The arginine residue is highly conserved and there is a small physicochemical difference between arginine and glutamine. This variant is present in population databases (rs763566905, gnomAD 0.02%). This variant has been observed in individual(s) with SMPD1-related conditions (PMID: 26499107). ClinVar contains an entry for this variant (Variation ID: 385606). Invitae Evidence Modeling of protein sequence and biophysical properties (such as structural, functional, and spatial information, amino acid conservation, physicochemical variation, residue mobility, and thermodynamic stability) has been performed for this missense variant. However, the output from this modeling did not meet the statistical confidence thresholds required to predict the impact of this variant on SMPD1 protein function. This variant disrupts the p.Arg476 amino acid residue in SMPD1. Other variant(s) that disrupt this residue have been determined to be pathogenic (PMID: 12369017, 12712061, 15234149, 23252888; internal data). This suggests that this residue is clinically significant, and that variants that disrupt this residue are likely to be disease-causing. In summary, the currently available evidence indicates that the variant is pathogenic, but additional data are needed to prove that conclusively. Therefore, this variant has been classified as Likely Pathogenic.

Myriad Genetics, Inc.
Classification: Uncertain significance for Acid sphingomyelinase deficiency. Last evaluated: 2025-10-01. Review status: criteria provided, single submitter. Criteria: Myriad Autosomal Dominant, Autosomal Recessive and X-Linked Classification Criteria (2023). Collection method: clinical testing. Allele origin: unknown.
Comment: NM_000543.4(SMPD1):c.1427G>A(R476Q) is a missense variant classified as a variant of uncertain significance in the context of Niemann-Pick disease, SMPD1-related. R476Q has been observed in a case with relevant disease (PMID: 26499107). Relevant functional assessments of this variant are available in the literature (PMID: 39572736). R476Q has been observed in referenced population frequency databases. In summary, there is insufficient evidence to classify NM_000543.4(SMPD1):c.1427G>A(R476Q) as pathogenic or benign. Please note: this variant was assessed in the context of healthy population screening.

First Genomix Gene Laboratory, Genetic Diagnostics Department
Classification: Likely pathogenic for Niemann-Pick disease, type A; Niemann-Pick disease, type B. Last evaluated: 2025-09-22. Review status: criteria provided, single submitter. Criteria: ACMG Guidelines, 2015. Collection method: clinical testing. Allele origin: germline. Inheritance: Autosomal recessive inheritance. Affected: no. Observed: 1 variant allele.

Natera, Inc.
Classification: Likely pathogenic for Niemann-Pick Disease, Types A/B. Last evaluated: 2025-06-23. Review status: criteria provided, single submitter. Criteria: Natera Variant Classification Schema (03/2026). Collection method: clinical testing. Allele origin: germline.
Comment: The c.1427G>A variant in SMPD1 is a missense variant predicted to cause substitution of arginine to glutamine at amino acid 476. This variant is rare in the general population with a frequency below the threshold expected for the associated phenotype(s). This variant has been observed in one or more individuals affected with the associated recessive disease, as either homozygous or compound heterozygous with a second variant (PMID: 26499107). A different variant at the same position has been determined to be Pathogenic or Likely Pathogenic. Computational prediction algorithms indicate this variant is likely to affect gene or protein function. Given the available evidence, this variant is classified as Likely Pathogenic.

Revvity Omics, Revvity
Classification: Likely pathogenic. Last evaluated: 2024-09-03. Review status: criteria provided, single submitter. Criteria: ACMG Guidelines, 2015. Collection method: clinical testing. Allele origin: germline.

Fulgent Genetics
Classification: Likely pathogenic for Niemann-Pick disease, type A; Niemann-Pick disease, type B. Last evaluated: 2024-06-13. Review status: criteria provided, single submitter. Criteria: ACMG Guidelines, 2015. Collection method: clinical testing. Allele origin: germline.

Baylor Genetics
Classification: Likely pathogenic for Niemann-Pick disease, type A. Last evaluated: 2024-03-28. Review status: criteria provided, single submitter. Criteria: ACMG Guidelines, 2015. Collection method: clinical testing. Allele origin: unknown.

Genome-Nilou Lab
Classification: Likely pathogenic for Niemann-Pick disease, type A. Last evaluated: 2021-05-18. Review status: criteria provided, single submitter. Criteria: ACMG Guidelines, 2015. Collection method: clinical testing. Allele origin: germline. Affected: no.

NM_000543.5(SMPD1):c.1427G>A (p.Arg476Gln)

Gene: SMPD1 (sphingomyelin phosphodiesterase 1; plus strand). Cytogenetic location: 11p15.4.
Variant type: single nucleotide variant.
Coding change: c.1427G>A on transcript NM_000543.5 (MANE Select); coding-DNA position 1427, G replaced by A.
Protein change: p.Arg476Gln; replaces arginine 476 with glutamine.
Molecular consequence: missense variant. On other transcripts: non-coding transcript variant (2).
Genome position (GRCh38, 1-based): chr11:6,393,982, G>A. VCF-style: chr11-6393982-G-A. GRCh37 (hg19) VCF-style: chr11-6415212-G-A.
Other names: c.1424G>A, p.Arg475Gln (NM_001007593.3); c.1427G>A, p.Arg476Gln (NM_001318087.2); c.506G>A, p.Arg169Gln (NM_001318088.2); c.1295G>A, p.Arg432Gln (NM_001365135.2); short protein forms R476Q, R169Q, R475Q, R432Q.
Identifiers: ClinVar variation 385606 (VCV000385606.74), dbSNP rs763566905, ClinGen allele CA5852891.